The following is an entry in ClinVar:

NM_016382.4(CD244):c.101G>A (p.Gly34Glu)

Gene: CD244 (CD244 molecule; minus strand). Cytogenetic location: 1q23.3.
Variant type: single nucleotide variant.
Coding change: c.101G>A on transcript NM_016382.4 (MANE Select); coding-DNA position 101, G replaced by A.
Protein change: p.Gly34Glu; replaces glycine 34 with glutamic acid.
Molecular consequence: missense variant.
Genome position (GRCh38, 1-based): chr1:160,841,862, C>T on the plus strand (G>A on the coding strand, the complement: CD244 is on the minus strand). VCF-style: chr1-160841862-C-T. GRCh37 (hg19) VCF-style: chr1-160811652-C-T.
Other names: c.101G>A, p.Gly34Glu (NM_001166663.2, NM_001166664.2); short protein forms G34E.
Identifiers: ClinVar variation 5020668 (VCV005020668.1).

ClinVar aggregate classification (germline): Uncertain significance (1 of 4 stars; one submission).

Submission:

Dasa
Classification: Uncertain significance. Last evaluated: 2026-04-27. Review status: criteria provided, single submitter. Criteria: DASA Assertion Criteria. Collection method: clinical testing. Allele origin: germline.
Comment: NM_016382.4(CD244):c.101G>A (p.Gly34Glu) is a missense variant that results in the substitution of glycine with glutamic acid. This variant is rare in population databases. The currently available literature and clinical evidence are not sufficient to establish a definitive association between this variant and the reported condition. Therefore, this variant is classified as a variant of uncertain significance.